The following is an entry in ClinVar:

NM_000179.3(MSH6):c.2665C>G (p.Gln889Glu)

Gene: MSH6 (mutS homolog 6; plus strand). Cytogenetic location: 2p16.3.
Variant type: single nucleotide variant.
Coding change: c.2665C>G on transcript NM_000179.3 (MANE Select); coding-DNA position 2665, C replaced by G.
Protein change: p.Gln889Glu; replaces glutamine 889 with glutamic acid.
Molecular consequence: missense variant. On other transcripts: non-coding transcript variant (5), intron variant (3).
Genome position (GRCh38, 1-based): chr2:47,800,648, C>G. VCF-style: chr2-47800648-C-G. GRCh37 (hg19) VCF-style: chr2-48027787-C-G.
Other names: c.2275C>G, p.Gln759Glu (NM_001281492.2); c.1759C>G, p.Gln587Glu (NM_001281493.2, NM_001281494.2, NM_001406812.1 and 6 more transcripts); c.2761C>G, p.Gln921Glu (NM_001406795.1, NM_001406802.1); c.2665C>G, p.Gln889Glu (NM_001406796.1, NM_001406798.1, NM_001406800.1 and 2 more transcripts); c.2368C>G, p.Gln790Glu (NM_001406797.1, NM_001406818.1, NM_001406819.1 and 10 more transcripts); c.2140C>G, p.Gln714Glu (NM_001406799.1, NM_001406806.1, NM_001406807.1); c.2671C>G, p.Gln891Glu (NM_001406813.1); c.2497C>G, p.Gln833Glu (NM_001406826.1); and 4 more; short protein forms Q889E, Q790E, Q863E, Q921E, Q587E, Q759E, Q891E, Q714E.
Identifiers: ClinVar variation 3633956 (VCV003633956.2).

ClinVar aggregate classification (germline): Uncertain significance (1 of 4 stars; one submission).

Conditions:
Hereditary nonpolyposis colorectal neoplasms. Identifiers: MedGen C0009405, MeSH D003123.

Submission:

Labcorp Genetics (formerly Invitae), Labcorp
Classification: Uncertain significance for Hereditary nonpolyposis colorectal neoplasms. Last evaluated: 2024-07-04. Review status: criteria provided, single submitter. Criteria: Invitae Variant Classification Sherloc (09022015). Collection method: clinical testing. Allele origin: germline.
Comment: This sequence change replaces glutamine, which is neutral and polar, with glutamic acid, which is acidic and polar, at codon 889 of the MSH6 protein (p.Gln889Glu). This variant is not present in population databases (gnomAD no frequency). This variant has not been reported in the literature in individuals affected with MSH6-related conditions. Advanced modeling of protein sequence and biophysical properties (such as structural, functional, and spatial information, amino acid conservation, physicochemical variation, residue mobility, and thermodynamic stability) performed at Invitae indicates that this missense variant is not expected to disrupt MSH6 protein function with a negative predictive value of 95%. In summary, the available evidence is currently insufficient to determine the role of this variant in disease. Therefore, it has been classified as a Variant of Uncertain Significance.